The following is an entry in ClinVar:

NM_000219.6(KCNE1):c.235A>C (p.Asn79His)

Gene: KCNE1 (potassium voltage-gated channel subfamily E regulatory subunit 1; minus strand). Cytogenetic location: 21q22.12.
Variant type: single nucleotide variant.
Coding change: c.235A>C on transcript NM_000219.6 (MANE Select); coding-DNA position 235, A replaced by C.
Protein change: p.Asn79His; replaces asparagine 79 with histidine.
Molecular consequence: missense variant.
Genome position (GRCh38, 1-based): chr21:34,449,400, T>G on the plus strand (A>C on the coding strand, the complement: KCNE1 is on the minus strand). VCF-style: chr21-34449400-T-G. GRCh37 (hg19) VCF-style: chr21-35821698-T-G.
Other names: c.235A>C, p.Asn79His (NM_001127668.4, NM_001127669.4, NM_001127670.4 and 4 more transcripts); short protein forms N79H.
Identifiers: ClinVar variation 3374400 (VCV003374400.2).

Conditions:
Long QT syndrome 5 (LQT5). Identifiers: Orphanet 101016, Orphanet 768, MedGen C1867904, MONDO:0013372, OMIM 613695.

Submission:

Roden Lab, Vanderbilt University Medical Center
No classification provided (evidence only). Condition: Long QT syndrome 5. Review status: no classification provided. Collection method: in vitro. Allele origin: not applicable. Functional consequence: Effect on ion channel function.
ClinVar note: "not provided" was previously submitted as the classification for the variant. However, the classification appeared to be based only on an observation of functional data so it was converted to no classification on 2025-07-30.